The following is an entry in ClinVar:

ClinVar aggregate classification (germline): Conflicting classifications of pathogenicity. Review status: criteria provided, conflicting classifications (1 of 4 stars). 3 submissions from 3 submitters: Uncertain significance (1); Likely benign (2). Last evaluated 2026-01-24.

Conditions:
Inborn genetic diseases. Identifiers: MedGen C0950123, MeSH D030342.

Allele frequency attached by ClinVar (database versions not stated): ESP Exome Variant Server 0.00008; gnomAD 0.00008 and 0.00009; TOPMed 0.00009; ExAC 0.00012; gnomAD exomes 0.00012; 1000 Genomes Project 30x 0.00016; 1000 Genomes Project 0.00020.
gnomAD v4.1: 164 of 1,613,312 alleles (0.01%); highest among the groups gnomAD compares: Admixed American, 0.028%; no homozygotes.

Submissions (3):

Labcorp Genetics (formerly Invitae), Labcorp
Classification: Likely benign. Last evaluated: 2026-01-24. Review status: criteria provided, single submitter. Criteria: Invitae Variant Classification Sherloc (09022015). Collection method: clinical testing. Allele origin: germline.

CeGaT Center for Human Genetics Tuebingen
Classification: Likely benign. Last evaluated: 2023-03-01. Review status: criteria provided, single submitter. Criteria: CeGaT Center For Human Genetics Tuebingen Variant Classification Criteria Version 2. Collection method: clinical testing. Allele origin: germline. Affected: yes. Observed: 1 variant allele.
Comment: DCHS1: BP4

Ambry Genetics
Classification: Uncertain significance for Inborn genetic diseases. Last evaluated: 2021-06-11. Review status: criteria provided, single submitter. Criteria: Ambry Variant Classification Scheme 2023. Collection method: clinical testing. Allele origin: germline.

NM_003737.4(DCHS1):c.6380G>A (p.Arg2127His)

Gene: DCHS1 (dachsous cadherin-related 1; minus strand). Cytogenetic location: 11p15.4.
Variant type: single nucleotide variant.
Coding change: c.6380G>A on transcript NM_003737.4 (MANE Select); coding-DNA position 6380, G replaced by A.
Protein change: p.Arg2127His; replaces arginine 2127 with histidine.
Molecular consequence: missense variant.
Genome position (GRCh38, 1-based): chr11:6,626,365, C>T on the plus strand (G>A on the coding strand, the complement: DCHS1 is on the minus strand). VCF-style: chr11-6626365-C-T. GRCh37 (hg19) VCF-style: chr11-6647596-C-T.
Other names: c.6380G>A (NM_003737.2); short protein forms R2127H.
Identifiers: ClinVar variation 1675008 (VCV001675008.33), dbSNP rs142577975, ClinGen allele CA5859868.
Genomic context (GRCh38, chr11:6,626,365, plus strand): 5'-TCTGCCTGCAGCACCAGTCGCAGCCGTGGACTCACCTCGAAGTCTAGCCCCTCTGCTGAG[C>T]GAACTGTGATGGCACCTGGGCGAGATAGAATGCATCAGTGATAGCCCCCTTTGCTTGCCC-3'
Protein context (NP_003728.1, residues 2117-2137): IQPSTGAITV[Arg2127His]SAEGLDFEVS